The following is an entry in ClinVar:

ClinVar aggregate classification (germline): Uncertain significance (1 of 4 stars; one submission).

Submission:

GeneDx
Classification: Uncertain significance. Last evaluated: 2019-10-21. Review status: criteria provided, single submitter. Criteria: GeneDx Variant Classification Process June 2021. Collection method: clinical testing. Allele origin: germline. Affected: yes.
Comment: Not observed in large population cohorts (Lek et al., 2016); In silico analysis, which includes protein predictors and evolutionary conservation, supports a deleterious effect; Missense variants in nearby residues reported in the Human Gene Mutation Database (Stenson et al., 2014); Has not been previously published as pathogenic or benign to our knowledge

NM_000193.4(SHH):c.1292G>A (p.Gly431Asp)

Gene: SHH (sonic hedgehog signaling molecule; minus strand). Cytogenetic location: 7q36.3.
Variant type: single nucleotide variant.
Coding change: c.1292G>A on transcript NM_000193.4 (MANE Select); coding-DNA position 1292, G replaced by A.
Protein change: p.Gly431Asp; replaces glycine 431 with aspartic acid.
Molecular consequence: missense variant. On other transcripts: intron variant (1).
Genome position (GRCh38, 1-based): chr7:155,802,997, C>T on the plus strand (G>A on the coding strand, the complement: SHH is on the minus strand). VCF-style: chr7-155802997-C-T. GRCh37 (hg19) VCF-style: chr7-155595691-C-T.
Other names: c.302-2752G>A (NM_001310462.2); short protein forms G431D.
Identifiers: ClinVar variation 1309570 (VCV001309570.2), dbSNP rs1803230945, ClinGen allele CA370144169.
Genomic context (GRCh38, chr7:155,802,997, plus strand): 5'-GCCTCGCTGTCCAGGAGCCAGGTGCCTATTTGGTAGAGCAGCTGCGAGTACCAGTGGATG[C>T]CCGCGGTGGCCCCCGCACCCGGAGCGTCGGCAGCACCTGGAGCGGTTAGGGCTACTCTGC-3'
Protein context (NP_000184.1, residues 421-441): ADAPGAGATA[Gly431Asp]IHWYSQLLYQ